The following is an entry in ClinVar:

ClinVar aggregate classification (germline): Uncertain significance. Review status: criteria provided, multiple submitters, no conflicts (2 of 4 stars). 4 submissions from 4 submitters: Uncertain significance (4). Last evaluated 2024-09-10.

Conditions:
Cardiomyopathy (CMYO). Also called: Cardiomyopathies. Identifiers: Orphanet 167848, MedGen C0878544, MONDO:0004994, HP:0001638. Inheritance: Various modes of inheritance.

Allele frequency attached by ClinVar (database versions not stated): gnomAD 0.00001; gnomAD exomes 0.00001; ExAC 0.00002; TOPMed 0.00002.
gnomAD v4.1: 22 of 1,613,722 alleles (0.0014%); highest among the groups gnomAD compares: Non-Finnish European, 0.0019%; no homozygotes.

Submissions (4):

GeneDx
Classification: Uncertain significance. Last evaluated: 2024-09-10. Review status: criteria provided, single submitter. Criteria: GeneDx Variant Classification Process June 2021. Collection method: clinical testing. Allele origin: germline. Affected: yes.
Comment: Not observed at significant frequency in large population cohorts (gnomAD); Missense variant in a gene in which most reported pathogenic variants are truncating/loss of function; Has not been previously published as pathogenic or benign to our knowledge

Blueprint Genetics
Classification: Uncertain significance. Last evaluated: 2024-05-03. Review status: criteria provided, single submitter. Criteria: ACMG Guidelines, 2015. Collection method: clinical testing. Allele origin: germline.

Women's Health and Genetics/Laboratory Corporation of America, LabCorp
Classification: Uncertain significance. Last evaluated: 2023-08-19. Review status: criteria provided, single submitter. Criteria: LabCorp Variant Classification Summary - May 2015. Collection method: clinical testing. Allele origin: germline.

CHEO Genetics Diagnostic Laboratory, Children's Hospital of Eastern Ontario
Classification: Uncertain significance for Cardiomyopathy. Last evaluated: 2020-06-26. Review status: criteria provided, single submitter. Criteria: ACMG Guidelines, 2015. Collection method: clinical testing. Allele origin: germline.

NM_001267550.2(TTN):c.85861T>C (p.Tyr28621His)

Genes: TTN (titin; minus strand), TTN-AS1 (TTN antisense RNA 1; plus strand). Cytogenetic location: 2q31.2.
Variant type: single nucleotide variant.
Coding change: c.85861T>C on transcript NM_001267550.2 (MANE Select); coding-DNA position 85861, T replaced by C.
Protein change: p.Tyr28621His; replaces tyrosine 28621 with histidine.
Molecular consequence: missense variant.
Genome position (GRCh38, 1-based): chr2:178,560,271, A>G on the plus strand (T>C on the coding strand, the complement: TTN is on the minus strand). VCF-style: chr2-178560271-A-G. GRCh37 (hg19) VCF-style: chr2-179424998-A-G.
Other names: c.85861T>C (NM_001267550.1); c.80938T>C, p.Tyr26980His (NM_001256850.1); c.58666T>C, p.Tyr19556His (NM_003319.4); c.78157T>C, p.Tyr26053His (NM_133378.4); c.59041T>C, p.Tyr19681His (NM_133432.3); c.59242T>C, p.Tyr19748His (NM_133437.4); short protein forms Y19556H, Y19681H, Y19748H, Y26053H, Y26980H, Y28621H.
Identifiers: ClinVar variation 1329209 (VCV001329209.5), dbSNP rs751308383, ClinGen allele CA1988578.